The following is an entry in ClinVar:

ClinVar aggregate classification (germline): Pathogenic (1 of 4 stars; one submission).

Conditions:
Cockayne spectrum with or without cerebrooculofacioskeletal syndrome. Identifiers: MedGen CN315928, MONDO:0100506.

Submission:

Myriad Genetics, Inc.
Classification: Pathogenic for Cockayne spectrum with or without cerebrooculofacioskeletal syndrome. Last evaluated: 2023-09-03. Review status: criteria provided, single submitter. Criteria: Myriad Autosomal Dominant, Autosomal Recessive and X-Linked Classification Criteria (2023). Collection method: clinical testing. Allele origin: unknown.
Comment: NM_000124.2(ERCC6):c.3399delAinsTT(G1134Wfs*11) is expected to be pathogenic in the context of ERCC6-related disorders. This variant is predicted to lead to an abnormal or absent protein product due to the creation of a premature termination codon in ERCC6, a gene where loss-of-function variants are known to be pathogenic. Please note: this variant was assessed in the context of healthy population screening.

NM_000124.4(ERCC6):c.3399delinsTT (p.Gly1134fs)

Gene: ERCC6 (ERCC excision repair 6, chromatin remodeling factor; minus strand). Cytogenetic location: 10q11.23.
Variant type: Indel.
Coding change: c.3399delinsTT on transcript NM_000124.4 (MANE Select); coding-DNA position 3399, A replaced by TT.
Protein change: p.Gly1134fs; shifts the reading frame from glycine 1134.
Molecular consequence: frameshift variant.
Genome position (GRCh38, 1-based): chr10:49,470,561, T replaced by AA on the plus strand (A replaced by TT on the coding strand, the reverse complement: ERCC6 is on the minus strand). VCF-style: chr10-49470561-T-AA. GRCh37 (hg19) VCF-style: chr10-50678607-T-AA.
Other names: c.3399delinsTT, p.Gly1134fs (NM_001346440.2); short protein forms G1134fs.
Identifiers: ClinVar variation 5011538 (VCV005011538.1).
Genomic context (GRCh38, chr10:49,470,561, plus strand): 5'-AAGACCTAACTTTTCATCAATGCTTTCATCACCAGATGGCATAGAAGTTTTGCCTGTTCC[T>AA]GAAGAATTTGAACATTCCCCATTTCCACTAATCACTGACAACTCTTCTGGTCCAGATACT-3'